The following is an entry in ClinVar:

NC_000010.10:g.(?_13333811)_(13333932_?)del

Gene: PHYH (phytanoyl-CoA 2-hydroxylase; minus strand). Cytogenetic location: 10p13.
Variant type: Deletion.
Identifiers: ClinVar variation 1460457 (VCV001460457.5).

ClinVar aggregate classification (germline): Pathogenic (1 of 4 stars; one submission).

Submission:

Labcorp Genetics (formerly Invitae), Labcorp
Classification: Pathogenic. Last evaluated: 2023-12-27. Review status: criteria provided, single submitter. Criteria: Invitae Variant Classification Sherloc (09022015). Collection method: clinical testing. Allele origin: germline.
Comment: This variant is a gross deletion of the genomic region encompassing exon(s) 5 of the PHYH gene. This deletion is out-of-frame, and is expected to create a premature termination codon and result in an absent or disrupted protein product. Loss-of-function variants in PHYH are known to be pathogenic (PMID: 9326940, 14974078). This variant has not been reported in the literature in individuals affected with PHYH-related conditions. For these reasons, this variant has been classified as Pathogenic.

Literature cited by the submitters: PubMed 9326940; PubMed 14974078.